The following is an entry in ClinVar:

NC_000008.10:g.(?_141468360)_(141468663_?)dup

Gene: TRAPPC9 (trafficking protein particle complex subunit 9; minus strand). Cytogenetic location: 8q24.3.
Variant type: Duplication.
Identifiers: ClinVar variation 2426978 (VCV002426978.3).

ClinVar aggregate classification (germline): Uncertain significance (1 of 4 stars; one submission).

Submission:

Labcorp Genetics (formerly Invitae), Labcorp
Classification: Uncertain significance. Last evaluated: 2021-12-02. Review status: criteria provided, single submitter. Criteria: Invitae Variant Classification Sherloc (09022015). Collection method: clinical testing. Allele origin: germline.
Comment: This variant results in a copy number gain of the genomic region encompassing exon(s) 1 of the TRAPPC9 gene. This region includes the initiator codon of the gene. This copy number gain extends beyond the assayed region for this gene and therefore may encompass additional genes. As the precise location of this event is unknown, it may be in tandem or it may be located elsewhere in the genome. This variant has not been reported in the literature in individuals affected with TRAPPC9-related conditions. Experimental studies and prediction algorithms are not available or were not evaluated, and the functional significance of this variant is currently unknown. In summary, the available evidence is currently insufficient to determine the role of this variant in disease. Therefore, it has been classified as a Variant of Uncertain Significance.